The following is an entry in ClinVar:

NM_052859.4(RFT1):c.145G>A (p.Val49Ile)

Gene: RFT1 (RFT1 glycolipid translocator homolog; minus strand). Cytogenetic location: 3p21.1.
Variant type: single nucleotide variant.
Coding change: c.145G>A on transcript NM_052859.4 (MANE Select); coding-DNA position 145, G replaced by A.
Protein change: p.Val49Ile; replaces valine 49 with isoleucine.
Molecular consequence: missense variant.
Genome position (GRCh38, 1-based): chr3:53,125,913, C>T on the plus strand (G>A on the coding strand, the complement: RFT1 is on the minus strand). VCF-style: chr3-53125913-C-T. GRCh37 (hg19) VCF-style: chr3-53159929-C-T.
Other names: short protein forms V49I.
Identifiers: ClinVar variation 1715867 (VCV001715867.5), dbSNP rs1435313987, ClinGen allele CA353223774.

ClinVar aggregate classification (germline): Uncertain significance (1 of 4 stars; one submission).

Conditions:
RFT1-congenital disorder of glycosylation (CDG1N). Also called: RFT1-CDG; CDG In; Congenital disorder of glycosylation type In. Identifiers: Orphanet 244310, MedGen C2677590, MONDO:0012783, OMIM 612015.

Allele frequency attached by ClinVar (database versions not stated): gnomAD exomes below 0.00001.
gnomAD v4.1: 1 of 1,613,238 alleles (0.000062%); highest among the groups gnomAD compares: Admixed American, 0.0017%; no homozygotes.

Submission:

Labcorp Genetics (formerly Invitae), Labcorp
Classification: Uncertain significance for RFT1-congenital disorder of glycosylation. Last evaluated: 2025-09-02. Review status: criteria provided, single submitter. Criteria: Invitae Variant Classification Sherloc (09022015). Collection method: clinical testing. Allele origin: germline.
Comment: This sequence change replaces valine, which is neutral and non-polar, with isoleucine, which is neutral and non-polar, at codon 49 of the RFT1 protein (p.Val49Ile). This variant is present in population databases (no rsID available, gnomAD 0.003%). This variant has not been reported in the literature in individuals affected with RFT1-related conditions. ClinVar contains an entry for this variant (Variation ID: 1715867). Invitae Evidence Modeling of protein sequence and biophysical properties (such as structural, functional, and spatial information, amino acid conservation, physicochemical variation, residue mobility, and thermodynamic stability) has been performed for this missense variant. However, the output from this modeling did not meet the statistical confidence thresholds required to predict the impact of this variant on RFT1 protein function. In summary, the available evidence is currently insufficient to determine the role of this variant in disease. Therefore, it has been classified as a Variant of Uncertain Significance.